The following is an entry in ClinVar:

NM_000326.5(RLBP1):c.449G>T (p.Ser150Ile)

Gene: RLBP1 (retinaldehyde binding protein 1; minus strand). Cytogenetic location: 15q26.1.
Variant type: single nucleotide variant.
Coding change: c.449G>T on transcript NM_000326.5 (MANE Select); coding-DNA position 449, G replaced by T.
Protein change: p.Ser150Ile; replaces serine 150 with isoleucine.
Molecular consequence: missense variant.
Genome position (GRCh38, 1-based): chr15:89,215,136, C>A on the plus strand (G>T on the coding strand, the complement: RLBP1 is on the minus strand). VCF-style: chr15-89215136-C-A. GRCh37 (hg19) VCF-style: chr15-89758367-C-A.
Other names: c.449G>T (NM_000326.4); short protein forms S150I.
Identifiers: ClinVar variation 1442284 (VCV001442284.7), dbSNP rs760022438, ClinGen allele CA7722281.

ClinVar aggregate classification (germline): Uncertain significance. Review status: criteria provided, multiple submitters, no conflicts (2 of 4 stars). 2 submissions from 2 submitters: Uncertain significance (2). Last evaluated 2025-03-27.

Conditions:
Inborn genetic diseases. Identifiers: MedGen C0950123, MeSH D030342.

Allele frequency attached by ClinVar (database versions not stated): gnomAD exomes below 0.00001 and 0.00003; ExAC 0.00001.

Submissions (2):

Ambry Genetics
Classification: Uncertain significance for Inborn genetic diseases. Last evaluated: 2025-03-27. Review status: criteria provided, single submitter. Criteria: Ambry Variant Classification Scheme 2023. Collection method: clinical testing. Allele origin: germline.

Labcorp Genetics (formerly Invitae), Labcorp
Classification: Uncertain significance. Last evaluated: 2023-11-27. Review status: criteria provided, single submitter. Criteria: Invitae Variant Classification Sherloc (09022015). Collection method: clinical testing. Allele origin: germline.
Comment: This sequence change replaces serine, which is neutral and polar, with isoleucine, which is neutral and non-polar, at codon 150 of the RLBP1 protein (p.Ser150Ile). This variant is present in population databases (rs760022438, gnomAD 0.0009%). This variant has not been reported in the literature in individuals affected with RLBP1-related conditions. ClinVar contains an entry for this variant (Variation ID: 1442284). Advanced modeling of protein sequence and biophysical properties (such as structural, functional, and spatial information, amino acid conservation, physicochemical variation, residue mobility, and thermodynamic stability) performed at Invitae indicates that this missense variant is not expected to disrupt RLBP1 protein function with a negative predictive value of 80%. In summary, the available evidence is currently insufficient to determine the role of this variant in disease. Therefore, it has been classified as a Variant of Uncertain Significance.